The following is an entry in ClinVar:

NM_001384732.1(CPLANE1):c.3507+1G>A

Gene: CPLANE1 (ciliogenesis and planar polarity effector complex subunit 1; minus strand). Cytogenetic location: 5p13.2.
Variant type: single nucleotide variant.
Coding change: c.3507+1G>A on transcript NM_001384732.1 (MANE Select); the canonical splice donor site of the intron after coding-DNA position 3507, G replaced by A.
Molecular consequence: splice donor variant.
Genome position (GRCh38, 1-based): chr5:37,201,590, C>T on the plus strand (G>A on the coding strand, the complement: CPLANE1 is on the minus strand). VCF-style: chr5-37201590-C-T. GRCh37 (hg19) VCF-style: chr5-37201692-C-T.
Other names: c.3507+1G>A (NM_023073.4).
Identifiers: ClinVar variation 813949 (VCV000813949.1), dbSNP rs1580686235, ClinGen allele CA359512725.
Genomic context (GRCh38, chr5:37,201,590, plus strand): 5'-ATTTTAAAAACTTGACAAAATCAACTTTAAATTAATTTAAAAGTTAATGCTATAAGCTTA[C>T]TTCACTAAGAATAGCTGGCTGGGGACAGTACAATGGAGGAGCTGGAAGATACAAGCCGAA-3'

ClinVar aggregate classification (germline): Pathogenic (1 of 4 stars; one submission).

Conditions:
Joubert syndrome 17 (JBTS17). Identifiers: Orphanet 475, MedGen C3553264, MONDO:0013824, OMIM 614615.

Submission:

Broad Center for Mendelian Genomics, Broad Institute of MIT and Harvard
Classification: Pathogenic for Joubert syndrome 17. Last evaluated: 2018-12-03. Review status: criteria provided, single submitter. Criteria: ACMG Guidelines, 2015. Collection method: research. Allele origin: germline. Inheritance: Autosomal recessive inheritance. Affected: yes.
Comment: The presence of this variant in combination with a pathogenic variant and in an individual with Joubert syndrome increases the likelihood that the c.3507+1G>A variant is pathogenic. The variant was absent from large population studies. The c.3507+1G>A variant occurs in the invariant region (+/- 1/2) of the splice consensus sequence and is predicted to cause altered splicing leading to an abnormal or absent protein. Loss of function of the C5orf42 gene is an established disease mechanism in autosomal recessive Joubert syndrome, and this is a loss of function variant. In summary, this variant meets criteria to be classified as pathogenic for Joubert syndrome in an autosomal recessive manner based on the predicted impact of the variant and the presence of a pathogenic variant in trans in an individual with Joubert syndrome. ACMG/AMP Criteria applied: PM2, PVS1, PM3 (Richards 2015).